The following is an entry in ClinVar:

ClinVar aggregate classification (germline): Uncertain significance (1 of 4 stars; one submission).

Submission:

GeneDx
Classification: Uncertain significance. Last evaluated: 2025-07-01. Review status: criteria provided, single submitter. Criteria: GeneDx Variant Classification Process June 2021. Collection method: clinical testing. Allele origin: germline.
Comment: Not observed at significant frequency in large population cohorts (gnomAD); In silico analysis supports that this missense variant has a deleterious effect on protein structure/function; Has not been previously published as pathogenic or benign to our knowledge

NM_001393769.1(MED12L):c.2340G>T (p.Lys780Asn)

Genes: MED12L (mediator complex subunit 12L; plus strand), P2RY12 (purinergic receptor P2Y12; minus strand). Cytogenetic location: 3q25.1.
Variant type: single nucleotide variant.
Coding change: c.2340G>T on transcript NM_001393769.1 (MANE Select); coding-DNA position 2340, G replaced by T.
Protein change: p.Lys780Asn; replaces lysine 780 with asparagine.
Molecular consequence: missense variant. On other transcripts: intron variant (1).
Genome position (GRCh38, 1-based): chr3:151,350,148, G>T. VCF-style: chr3-151350148-G-T. GRCh37 (hg19) VCF-style: chr3-151067936-G-T.
Other names: c.2235G>T, p.Lys745Asn (NM_053002.6); c.-179-9388C>A (NM_022788.5); short protein forms K745N, K780N.
Identifiers: ClinVar variation 3900878 (VCV003900878.2).